The following is an entry in ClinVar:

NM_133497.4(KCNV2):c.1182C>T (p.Ser394=)

Gene: KCNV2 (potassium voltage-gated channel modifier subfamily V member 2; plus strand). Cytogenetic location: 9p24.2.
Variant type: single nucleotide variant.
Coding change: c.1182C>T on transcript NM_133497.4 (MANE Select); coding-DNA position 1182, C replaced by T.
Protein change: p.Ser394=; no amino-acid change (serine 394 retained).
Molecular consequence: synonymous variant.
Genome position (GRCh38, 1-based): chr9:2,718,921, C>T. VCF-style: chr9-2718921-C-T. GRCh37 (hg19) VCF-style: chr9-2718921-C-T.
Other names: c.1182C>T (NM_133497.3).
Identifiers: ClinVar variation 1123164 (VCV001123164.12), dbSNP rs762855201, ClinGen allele CA4965807.

ClinVar aggregate classification (germline): Likely benign. Review status: criteria provided, multiple submitters, no conflicts (2 of 4 stars). 3 submissions from 3 submitters: Likely benign (2). 1 of the submissions does not count toward it. Last evaluated 2022-07-29.

Conditions:
KCNV2-related disorder. Also called: KCNV2-related condition.

Allele frequency attached by ClinVar (database versions not stated): gnomAD exomes 0.00001 and 0.00002; ExAC 0.00002.
gnomAD v4.1: 29 of 1,609,236 alleles (0.0018%); highest among the groups gnomAD compares: Non-Finnish European, 0.0024%; no homozygotes.

Submissions (3):

Blueprint Genetics
Classification: Likely benign. Last evaluated: 2022-07-29. Review status: criteria provided, single submitter. Criteria: ACMG Guidelines, 2015. Collection method: clinical testing. Allele origin: germline.

Labcorp Genetics (formerly Invitae), Labcorp
Classification: Likely benign. Last evaluated: 2020-08-15. Review status: criteria provided, single submitter. Criteria: Invitae Variant Classification Sherloc (09022015). Collection method: clinical testing. Allele origin: germline.

PreventionGenetics, part of Exact Sciences
Classification: Likely benign for KCNV2-related condition. Last evaluated: 2023-06-13. Review status: no assertion criteria provided. Collection method: clinical testing. Allele origin: germline. Not counted in ClinVar's aggregate classification.
Comment: This variant is classified as likely benign based on ACMG/AMP sequence variant interpretation guidelines (Richards et al. 2015 PMID: 25741868, with internal and published modifications).